The following is an entry in ClinVar:

NM_005546.4(ITK):c.1577C>A (p.Ser526Tyr)

Gene: ITK (IL2 inducible T cell kinase; plus strand). Cytogenetic location: 5q33.3.
Variant type: single nucleotide variant.
Coding change: c.1577C>A on transcript NM_005546.4 (MANE Select); coding-DNA position 1577, C replaced by A.
Protein change: p.Ser526Tyr; replaces serine 526 with tyrosine.
Molecular consequence: missense variant.
Genome position (GRCh38, 1-based): chr5:157,245,943, C>A. VCF-style: chr5-157245943-C-A. GRCh37 (hg19) VCF-style: chr5-156672953-C-A.
Other names: short protein forms S526Y.
Identifiers: ClinVar variation 950029 (VCV000950029.9), dbSNP rs756611419, ClinGen allele CA3533142.

ClinVar aggregate classification (germline): Uncertain significance (1 of 4 stars; one submission).

Conditions:
Lymphoproliferative syndrome 1 (LPFS1). Identifiers: Orphanet 238505, Orphanet 538963, MedGen C3552634, MONDO:0013081, OMIM 613011.

Allele frequency attached by ClinVar (database versions not stated): gnomAD exomes below 0.00001; ExAC 0.00001.
gnomAD v4.1: 1 of 1,614,144 alleles (0.000062%); highest among the groups gnomAD compares: Non-Finnish European, 0.000085%; no homozygotes.

Submission:

Labcorp Genetics (formerly Invitae), Labcorp
Classification: Uncertain significance for Lymphoproliferative syndrome 1. Last evaluated: 2025-02-06. Review status: criteria provided, single submitter. Criteria: Invitae Variant Classification Sherloc (09022015). Collection method: clinical testing. Allele origin: germline.
Comment: This sequence change replaces serine, which is neutral and polar, with tyrosine, which is neutral and polar, at codon 526 of the ITK protein (p.Ser526Tyr). This variant is present in population databases (rs756611419, gnomAD 0.0009%). This variant has not been reported in the literature in individuals affected with ITK-related conditions. ClinVar contains an entry for this variant (Variation ID: 950029). Invitae Evidence Modeling of protein sequence and biophysical properties (such as structural, functional, and spatial information, amino acid conservation, physicochemical variation, residue mobility, and thermodynamic stability) indicates that this missense variant is expected to disrupt ITK protein function with a positive predictive value of 80%. In summary, the available evidence is currently insufficient to determine the role of this variant in disease. Therefore, it has been classified as a Variant of Uncertain Significance.